The following is an entry in ClinVar:

ClinVar aggregate classification (germline): Likely pathogenic. Review status: criteria provided, multiple submitters, no conflicts (2 of 4 stars). 5 submissions from 5 submitters: Likely pathogenic (5). Last evaluated 2025-12-22.

Conditions:
Congenital myotonia, autosomal recessive form. Also called: BECKER DISEASE; Becker Generalized Myotonia; myotonia congenita, autosomal recessive. Identifiers: Orphanet 614, MedGen C0751360, MONDO:0009715, OMIM 255700.
Congenital myotonia, autosomal dominant form (THD). Also called: THOMSEN DISEASE; Myotonia congenita autosomal dominant. Identifiers: Orphanet 614, MedGen C2936781, MONDO:0008055, OMIM 160800.

Allele frequency attached by ClinVar (database versions not stated): gnomAD exomes 0.00003 and 0.00002; ExAC 0.00003; gnomAD 0.00001; TOPMed 0.00001.
gnomAD v4.1: 24 of 1,614,096 alleles (0.0015%); highest among the groups gnomAD compares: South Asian, 0.0022%; no homozygotes.

Submissions (5):

Labcorp Genetics (formerly Invitae), Labcorp
Classification: Likely pathogenic for Congenital myotonia, autosomal recessive form; Congenital myotonia, autosomal dominant form. Last evaluated: 2025-12-22. Review status: criteria provided, single submitter. Criteria: Invitae Variant Classification Sherloc (09022015). Collection method: clinical testing. Allele origin: germline.
Comment: This sequence change replaces glutamic acid, which is acidic and polar, with lysine, which is basic and polar, at codon 193 of the CLCN1 protein (p.Glu193Lys). This variant is present in population databases (rs80356686, gnomAD 0.004%). This missense change has been observed in individual(s) with autosomal dominant and autosomal recessive myotonia congenita (PMID: 12661046; internal data). It has also been observed to segregate with disease in related individuals. ClinVar contains an entry for this variant (Variation ID: 21045). Invitae Evidence Modeling of protein sequence and biophysical properties (such as structural, functional, and spatial information, amino acid conservation, physicochemical variation, residue mobility, and thermodynamic stability) indicates that this missense variant is expected to disrupt CLCN1 protein function with a positive predictive value of 95%. Experimental studies have shown that this missense change affects CLCN1 function (PMID: 14639587). In summary, the currently available evidence indicates that the variant is pathogenic, but additional data are needed to prove that conclusively. Therefore, this variant has been classified as Likely Pathogenic.

Revvity Omics, Revvity
Classification: Likely pathogenic. Last evaluated: 2025-06-06. Review status: criteria provided, single submitter. Criteria: ACMG Guidelines, 2015. Collection method: clinical testing. Allele origin: germline.

Women's Health and Genetics/Laboratory Corporation of America, LabCorp
Classification: Likely pathogenic for Congenital myotonia, autosomal recessive form. Last evaluated: 2024-07-01. Review status: criteria provided, single submitter. Criteria: LabCorp Variant Classification Summary - May 2015. Collection method: clinical testing. Allele origin: germline.
Comment: Variant summary: CLCN1 c.577G>A (p.Glu193Lys) results in a conservative amino acid change in the encoded protein sequence. Four of five in-silico tools predict a damaging effect of the variant on protein function. The variant allele was found at a frequency of 2.8e-05 in 251482 control chromosomes. c.577G>A has been reported in the literature in three individuals in one family affected with Myotonia congenita (Colding-Jorgensen_2003, Grunnet_2003). These data indicate that the variant may be associated with disease. At least one publication reports experimental evidence evaluating an impact on protein function. This study shows that this variant results in with a rightward shift in the currentvoltage (I/V) relationship, a typical effect of dominant CLCN1 mutants on the channel protein (Grunnet_2003). The following publications have been ascertained in the context of this evaluation (PMID: 12661046, 14639587). ClinVar contains an entry for this variant (Variation ID: 21045). Based on the evidence outlined above, the variant was classified as likely pathogenic.

Juno Genomics, Hangzhou Juno Genomics, Inc
Classification: Likely pathogenic for Congenital myotonia, autosomal dominant form; Congenital myotonia, autosomal recessive form. Review status: criteria provided, single submitter. Criteria: ACMG Guidelines, 2015. Collection method: clinical testing. Allele origin: germline.
Comment: Absent from controls (or at extremely low frequency if recessive) in Genome Aggregation Database.;Co-segregation with disease in multiple affected family members.;Patient's phenotype or family history is highly specific for a disease with a single genetic etiology.;Well-established in vitro or in vivo functional studies supportive of a damaging effect on the gene or gene product.

Kasturba Medical College, Manipal, Kasturba Medical College, Manipal, Manipal Academy of Higher Education, Manipal, India
Classification: Likely pathogenic for Congenital myotonia, autosomal recessive form. Review status: criteria provided, single submitter. Criteria: ACMG Guidelines, 2015. Collection method: clinical testing. Allele origin: biparental. Affected: yes. Observed: 1 homozygote.
Comment: In-silico analysis tools (REVEL, CADD_phred, GERP, MutationTaster) are consistent in predicting the variant to impair CLCN1 protein function. The variant c.577G>A has been reported as likely pathogenic/uncertain significance by two submitters to the ClinVar database. This missense has been observed in individuals with myotonic congenita (ClinVar: 21045; Colding-Jørgensen et al., 2003; Grunnet M et al., 2003). The clinical features observed in the proband are in concordance with Myotonia congenita.

Literature cited by the submitters: PubMed 12661046 (cited by Labcorp Genetics (formerly Invitae), Labcorp and Women's Health and Genetics/Laboratory Corporation of America, LabCorp); PubMed 14639587 (cited by Labcorp Genetics (formerly Invitae), Labcorp and Women's Health and Genetics/Laboratory Corporation of America, LabCorp).

NM_000083.3(CLCN1):c.577G>A (p.Glu193Lys)

Gene: CLCN1 (chloride voltage-gated channel 1; plus strand). Cytogenetic location: 7q34.
Variant type: single nucleotide variant.
Coding change: c.577G>A on transcript NM_000083.3 (MANE Select); coding-DNA position 577, G replaced by A.
Protein change: p.Glu193Lys; replaces glutamic acid 193 with lysine.
Molecular consequence: missense variant. On other transcripts: non-coding transcript variant (1).
Genome position (GRCh38, 1-based): chr7:143,321,729, G>A. VCF-style: chr7-143321729-G-A. GRCh37 (hg19) VCF-style: chr7-143018822-G-A.
Other names: short protein forms E193K.
Identifiers: ClinVar variation 21045 (VCV000021045.21), dbSNP rs80356686, ClinGen allele CA341547.